The following is an entry in ClinVar:

ClinVar aggregate classification (germline): Conflicting classifications of pathogenicity. Review status: criteria provided, conflicting classifications (1 of 4 stars). 15 submissions from 15 submitters: Uncertain significance (2); Benign (3); Likely benign (8). 2 of the submissions do not count toward it. Last evaluated 2026-01-31.

Conditions:
MSH6-related disorder. Also called: MSH6-related condition; MSH6-Related disorders.
Hereditary cancer. Identifiers: MedGen C1333600.
Hereditary nonpolyposis colorectal neoplasms. Identifiers: MedGen C0009405, MeSH D003123.
Hereditary cancer-predisposing syndrome. Also called: Hereditary Cancer Syndrome; Tumor predisposition; Neoplastic Syndromes, Hereditary; Hereditary neoplastic syndrome. Identifiers: Orphanet 140162, MedGen C0027672, MeSH D009386, MONDO:0015356.
Lynch syndrome. Identifiers: Orphanet 144, MedGen C4552100, MONDO:0005835. Disease mechanism: loss of function.
Lynch syndrome 5 (LYNCH5). Also called: Hereditary non-polyposis colorectal cancer, type 5; Colorectal cancer, hereditary nonpolyposis, type 5. Identifiers: Orphanet 144, MedGen C1833477, MONDO:0013710, OMIM 614350. Disease mechanism: loss of function.
Carcinoma of colon (CRC). Also called: Colonic carcinoma; Colon carcinoma. Identifiers: MedGen C0699790, MONDO:0002032.

Allele frequency attached by ClinVar (database versions not stated): gnomAD 0.00036 and 0.00037; ExAC 0.00007; gnomAD exomes 0.00007; ESP Exome Variant Server 0.00015; 1000 Genomes Project 0.00020; 1000 Genomes Project 30x 0.00031; TOPMed 0.00032.

Submissions (15):

Labcorp Genetics (formerly Invitae), Labcorp
Classification: Likely benign for Hereditary nonpolyposis colorectal neoplasms. Last evaluated: 2026-01-31. Review status: criteria provided, single submitter. Criteria: Invitae Variant Classification Sherloc (09022015). Collection method: clinical testing. Allele origin: germline.

PreventionGenetics, part of Exact Sciences
Classification: Likely benign for MSH6-related condition. Last evaluated: 2026-01-05. Review status: criteria provided, single submitter. Criteria: ACMG Guidelines, 2015. Collection method: clinical testing. Allele origin: germline.
Comment: This variant is classified as likely benign based on ACMG/AMP sequence variant interpretation guidelines (Richards et al. 2015 PMID: 25741868, with internal and published modifications).

Dasa
Classification: Benign. Last evaluated: 2025-11-05. Review status: criteria provided, single submitter. Criteria: DASA Assertion Criteria. Collection method: clinical testing. Allele origin: germline.
Comment: NM_000179.3(MSH6):c.1932G>C (p.Arg644Ser) is a missense variant that results in the substitution of arginine with serine. Population frequency is inconsistent with a disease-causing role for this variant. Therefore, based on the currently available evidence, this variant is classified as benign.

Women's Health and Genetics/Laboratory Corporation of America, LabCorp
Classification: Likely benign. Last evaluated: 2025-08-18. Review status: criteria provided, single submitter. Criteria: LabCorp Variant Classification Summary - May 2015. Collection method: clinical testing. Allele origin: germline.
Comment: Variant summary: MSH6 c.1932G>C (p.Arg644Ser) results in a non-conservative amino acid change located in the DNA mismatch repair protein MutS, connector domain of the encoded protein sequence. Algorithms developed to predict the effect of missense changes on protein structure and function are either unavailable or do not agree on the potential impact of this missense change. The variant allele was found at a frequency of 7.2e-05 in 251166 control chromosomes, predominantly at a frequency of 0.001 within the African or African-American subpopulation in the gnomAD database. The observed variant frequency within African or African-American control individuals in the gnomAD database is approximately 7 fold of the estimated maximal expected allele frequency for a pathogenic variant in MSH6 causing Hereditary Nonpolyposis Colorectal Cancer phenotype (0.00014). c.1932G>C has been reported in individuals affected with pancreatic cancer, Lynch syndrome undergoing multigene panel testing (example, Shindo_2017, Rossi_2017, Yurgelun_2015). These report(s) do not provide unequivocal conclusions about association of the variant with Hereditary Nonpolyposis Colorectal Cancer. To our knowledge, no experimental evidence demonstrating an impact on protein function has been reported. The following publications have been ascertained in the context of this evaluation (PMID: 25980754, 28874130, 28767289). ClinVar contains an entry for this variant (Variation ID: 89233). Based on the evidence outlined above, the variant was classified as likely benign.

Mendelics
Classification: Likely benign for Hereditary cancer. Last evaluated: 2025-02-27. Review status: criteria provided, single submitter. Criteria: ACMG Guidelines, 2015. Collection method: clinical testing. Allele origin: unknown.
Comment: This variant is considered likely benign or benign based on one or more of the following: it is predicted to be benign by multiple in silico algorithms, and/or has population frequency not consistent with disease, and/or has normal protein function, and/or has lack of segregation with disease, and/or has been detected in co-occurrence with known pathogenic variant, and/or has lack of disease association in case-control studies, and/or is located in a region inconsistent with a known cause of pathogenicity.

Myriad Genetics, Inc.
Classification: Benign for Lynch syndrome 5. Last evaluated: 2024-12-30. Review status: criteria provided, single submitter. Criteria: Myriad Autosomal Dominant, Autosomal Recessive and X-Linked Classification Criteria (2023). Collection method: clinical testing. Allele origin: unknown.
Comment: This variant is considered benign. This variant is strongly associated with less severe personal and family histories of cancer, typical for individuals without pathogenic variants in this gene [PMID: 27363726]. Homozygosity for this variant has been confirmed in one or more individuals lacking clinical features consistent with gene-specific recessive disease, indicating that this variant is unlikely to be pathogenic.

Color Diagnostics, LLC DBA Color Health
Classification: Benign for Hereditary cancer-predisposing syndrome. Last evaluated: 2024-10-02. Review status: criteria provided, single submitter. Criteria: ACMG Guidelines, 2015. Collection method: clinical testing. Allele origin: germline.

Quest Diagnostics Nichols Institute San Juan Capistrano
Classification: Likely benign. Last evaluated: 2023-02-10. Review status: criteria provided, single submitter. Criteria: Quest Diagnostics criteria. Collection method: clinical testing. Allele origin: unknown.

Johns Hopkins Genomics, Johns Hopkins University
Classification: Likely benign for Lynch syndrome 5. Last evaluated: 2022-03-19. Review status: criteria provided, single submitter. Criteria: ACMG Guidelines, 2015. Collection method: clinical testing. Allele origin: germline.

Sema4
Classification: Uncertain significance for Hereditary cancer-predisposing syndrome. Last evaluated: 2021-08-06. Review status: criteria provided, single submitter. Criteria: Sema4 Curation Guidelines. Collection method: curation. Allele origin: germline.
Comment: The MSH6 c.1932G>C (p.R644S) variant has been reported in heterozygosity in several individuals with colorectal, pancreatic, or breast cancer (PMID: 26437257, 25980754, 15872200, 28767289, 25503501, 26689913). Tumors found in these patients exhibit normal mismatch repair protein expression (PMID: 26437257, 15872200). This variant was observed in 27/24952 chromosomes in the African/African American population, with no homozygotes, according to the Genome Aggregation Database (PMID: 32461654). The variant has been reported in ClinVar (Variation ID 89233). Functional studies have not been performed, and in silico predictions of the variant's effect on protein function are inconclusive. The overall evidence is inconsistent with ACMG/AMP requirements for a classification of benign or pathogenic. In summary, the clinical significance of this variant is currently uncertain.

GeneDx
Classification: Likely benign. Last evaluated: 2021-03-07. Review status: criteria provided, single submitter. Criteria: GeneDx Variant Classification Process June 2021. Collection method: clinical testing. Allele origin: germline. Affected: yes.
Comment: This variant is associated with the following publications: (PMID: 23621914, 22290698, 19593635, 25503501, 25980754, 21153778, 26437257, 15872200, 28874130, 26333163, 28767289, 26689913)

Ambry Genetics
Classification: Likely benign for Hereditary cancer-predisposing syndrome. Last evaluated: 2019-11-19. Review status: criteria provided, single submitter. Criteria: Ambry Variant Classification Scheme 2023. Collection method: clinical testing. Allele origin: germline.

Clinical and Functional Genomics Group, A.C.Camargo Cancer Center
Classification: Uncertain significance for Lynch syndrome. Last evaluated: 2019-01-30. Review status: criteria provided, single submitter. Criteria: Carneiro da Silva F et al. (PLoS One 2015). Collection method: research. Allele origin: germline. Affected: yes. Observed: 1 variant allele.

Counsyl
Classification: Uncertain significance for Lynch syndrome 5. Last evaluated: 2016-02-04. Review status: no assertion criteria provided. Collection method: clinical testing. Allele origin: unknown. Not counted in ClinVar's aggregate classification.

Department of Pathology and Laboratory Medicine, Sinai Health System
Classification: Likely benign for Carcinoma of colon. Review status: no assertion criteria provided. Collection method: clinical testing. Allele origin: unknown. Affected: yes. Study: The Canadian Open Genetics Repository (COGR). Not counted in ClinVar's aggregate classification.
Comment: The MSH6 p.Arg644Ser variant was identified in 6 of 5432 proband chromosomes (frequency: 0.001) from individuals or families with Lynch Syndrome, breast and pancreatic cancer (Yurgelun 2015, Hampel 2005, Carneiro da Silva 2015, Shindo 2017, Maxwell 2015). The variant was identified in dbSNP (rs34938432) as â€šÃ„Ãºwith likely benign, uncertain significance alleleâ€šÃ„Ã¹ and ClinVar (classified as uncertain significance by Ambry Genetics, Counsyl, InSiGHT and 2 other submitters and likely benign by Invitae, GeneDx, Color and 1 other submitter). The variant was not identified in UMD-LSDB. The variant was identified in control databases in 28 of 282,560 chromosomes at a frequency of 0.0001 increasing the likelihood this could be a low frequency benign variant (Genome Aggregation Database Feb 27, 2017). The variant was observed in the following populations: African in 27 of 24,952 chromosomes (freq: 0.001), Latino in 1 of 35,428 chromosomes (freq: 0.00003), while the variant was not observed in the Ashkenazi Jewish, East Asian, Finnish, European, Other and South Asian populations. The p.Arg644 residue is not conserved in mammals and computational analyses (PolyPhen-2, SIFT, AlignGVGD, BLOSUM, MutationTaster) do not suggest a high likelihood of impact to the protein; however, this information is not predictive enough to rule out pathogenicity. The variant occurs outside of the splicing consensus sequence and in silico or computational prediction software programs (SpliceSiteFinder, MaxEntScan, NNSPLICE, GeneSplicer) do not predict a difference in splicing. In summary, based on the above information the clinical significance of this variant cannot be determined with certainty at this time although we would lean towards a more benign role for this variant. This variant is classified as likely benign.

Literature cited by the submitters: PubMed 25980754 (cited by 6 submitters); PubMed 28874130 (cited by Women's Health and Genetics/Laboratory Corporation of America, LabCorp and Quest Diagnostics Nichols Institute San Juan Capistrano); PubMed 28767289 (cited by 3 submitters); PubMed 27363726 (cited by Myriad Genetics, Inc.); PubMed 32659497 (cited by Quest Diagnostics Nichols Institute San Juan Capistrano and Johns Hopkins Genomics, Johns Hopkins University); PubMed 35264596 (cited by Quest Diagnostics Nichols Institute San Juan Capistrano); PubMed 15872200 (cited by 3 submitters); PubMed 25503501 (cited by 4 submitters); PubMed 26437257 (cited by 3 submitters); PubMed 26689913 (cited by 3 submitters); PubMed 22290698 (cited by 3 submitters); PubMed 23621914 (cited by Quest Diagnostics Nichols Institute San Juan Capistrano and Counsyl); PubMed 17440981 (cited by Johns Hopkins Genomics, Johns Hopkins University); PubMed 20301390 (cited by Johns Hopkins Genomics, Johns Hopkins University); PubMed 21153778 (cited by Counsyl).

NM_000179.3(MSH6):c.1932G>C (p.Arg644Ser)

Gene: MSH6 (mutS homolog 6; plus strand). Cytogenetic location: 2p16.3.
Variant type: single nucleotide variant.
Coding change: c.1932G>C on transcript NM_000179.3 (MANE Select); coding-DNA position 1932, G replaced by C.
Protein change: p.Arg644Ser; replaces arginine 644 with serine.
Molecular consequence: missense variant.
Genome position (GRCh38, 1-based): chr2:47,799,915, G>C. VCF-style: chr2-47799915-G-C. GRCh37 (hg19) VCF-style: chr2-48027054-G-C.
Other names: c.1542G>C, p.Arg514Ser (NM_001281492.2); c.1026G>C, p.Arg342Ser (NM_001281493.2, NM_001281494.2); short protein forms R644S, R342S, R514S.
Identifiers: ClinVar variation 89233 (VCV000089233.42), dbSNP rs34938432, ClinGen allele CA009475.
Genomic context (GRCh38, chr2:47,799,915, plus strand): 5'-CTCCCAGTTTTGGGATGCATCCAAAACTTTGAGAACTCTCCTTGAGGAAGAATATTTTAG[G>C]GAAAAGCTAAGTGATGGCATTGGGGTGATGTTACCCCAGGTGCTTAAAGGTATGACTTCA-3'
Protein context (NP_000170.1, residues 634-654): LRTLLEEEYF[Arg644Ser]EKLSDGIGVM